The following is an entry in ClinVar:

ClinVar aggregate classification (germline): Uncertain significance. Review status: criteria provided, multiple submitters, no conflicts (2 of 4 stars). 3 submissions from 3 submitters: Uncertain significance (2). 1 of the submissions does not count toward it. Last evaluated 2023-02-10.

Conditions:
Autosomal recessive limb-girdle muscular dystrophy type 2O. Also called: Limb-Girdle Muscular Dystrophy Type 3C; MUSCULAR DYSTROPHY-DYSTROGLYCANOPATHY, LIMB-GIRDLE, POMGNT1-RELATED; MUSCULAR DYSTROPHY-DYSTROGLYCANOPATHY (LIMB-GIRDLE), TYPE C, 3. Identifiers: Orphanet 206564, MedGen C3150417, MONDO:0013161, OMIM 613157.
Muscular dystrophy-dystroglycanopathy (congenital with impaired intellectual development), type B, 3. Also called: Muscular dystrophy-dystroglycanopathy (congenital with intellectual disability), type B3; MUSCULAR DYSTROPHY, CONGENITAL, POMGNT1-RELATED. Identifiers: MedGen C3150412, MONDO:0013155, OMIM 613151.
Muscle eye brain disease (MEB). Also called: Santavuori congenital muscular dystrophy. Identifiers: Orphanet 588, Orphanet 899, MedGen C0457133, MONDO:0018939.

Allele frequency attached by ClinVar (database versions not stated): gnomAD exomes below 0.00001; TOPMed 0.00001.
gnomAD v4.1: 9 of 1,613,556 alleles (0.00056%); highest among the groups gnomAD compares: Non-Finnish European, 0.00076%; no homozygotes.

Submissions (3):

Blueprint Genetics
Classification: Uncertain significance. Last evaluated: 2023-02-10. Review status: criteria provided, single submitter. Criteria: ACMG Guidelines, 2015. Collection method: clinical testing. Allele origin: germline.

Labcorp Genetics (formerly Invitae), Labcorp
Classification: Uncertain significance for Autosomal recessive limb-girdle muscular dystrophy type 2O; Muscular dystrophy-dystroglycanopathy (congenital with impaired intellectual development), type B, 3. Last evaluated: 2022-06-27. Review status: criteria provided, single submitter. Criteria: Invitae Variant Classification Sherloc (09022015). Collection method: clinical testing. Allele origin: germline.
Comment: This sequence change replaces valine, which is neutral and non-polar, with isoleucine, which is neutral and non-polar, at codon 626 of the POMGNT1 protein (p.Val626Ile). This variant is present in population databases (rs199723646, gnomAD 0.0009%). This variant has not been reported in the literature in individuals affected with POMGNT1-related conditions. ClinVar contains an entry for this variant (Variation ID: 643942). Advanced modeling of protein sequence and biophysical properties (such as structural, functional, and spatial information, amino acid conservation, physicochemical variation, residue mobility, and thermodynamic stability) performed at Invitae indicates that this missense variant is not expected to disrupt POMGNT1 protein function. In summary, the available evidence is currently insufficient to determine the role of this variant in disease. Therefore, it has been classified as a Variant of Uncertain Significance.

Natera, Inc.
Classification: Uncertain significance for Muscle-eye-brain disease. Last evaluated: 2020-09-16. Review status: no assertion criteria provided. Collection method: clinical testing. Allele origin: germline. Not counted in ClinVar's aggregate classification.

NM_017739.4(POMGNT1):c.1876G>A (p.Val626Ile)

Genes: POMGNT1 (protein O-linked mannose N-acetylglucosaminyltransferase 1 (beta 1,2-); minus strand), TSPAN1 (tetraspanin 1; plus strand). Cytogenetic location: 1p34.1.
Variant type: single nucleotide variant.
Coding change: c.1876G>A on transcript NM_017739.4 (MANE Select); coding-DNA position 1876, G replaced by A.
Protein change: p.Val626Ile; replaces valine 626 with isoleucine.
Molecular consequence: missense variant. On other transcripts: intron variant (1).
Genome position (GRCh38, 1-based): chr1:46,189,477, C>T on the plus strand (G>A on the coding strand, the complement: POMGNT1 is on the minus strand). VCF-style: chr1-46189477-C-T. GRCh37 (hg19) VCF-style: chr1-46655149-C-T.
Other names: c.1810G>A, p.Val604Ile (NM_001290129.3); c.1447G>A, p.Val483Ile (NM_001290130.2); c.1876G>A, p.Val626Ile (NM_001410783.1); c.1869+7G>A (NM_001243766.2); short protein forms V483I, V604I, V626I.
Identifiers: ClinVar variation 643942 (VCV000643942.6), dbSNP rs199723646, ClinGen allele CA21910360.